The following is an entry in ClinVar:

NM_000257.4(MYH7):c.1305G>A (p.Met435Ile)

Gene: MYH7 (myosin heavy chain 7; minus strand). Cytogenetic location: 14q11.2.
Variant type: single nucleotide variant.
Coding change: c.1305G>A on transcript NM_000257.4 (MANE Select); coding-DNA position 1305, G replaced by A.
Protein change: p.Met435Ile; replaces methionine 435 with isoleucine.
Molecular consequence: missense variant.
Genome position (GRCh38, 1-based): chr14:23,429,057, C>T on the plus strand (G>A on the coding strand, the complement: MYH7 is on the minus strand). VCF-style: chr14-23429057-C-T. GRCh37 (hg19) VCF-style: chr14-23898266-C-T.
Other names: c.1305G>A (LRG_384t1); short protein forms M435I.
Identifiers: ClinVar variation 216362 (VCV000216362.12), dbSNP rs863224644, ClinGen allele CA337500.

ClinVar aggregate classification (germline): Uncertain significance. Review status: criteria provided, multiple submitters, no conflicts (2 of 4 stars). 2 submissions from 2 submitters: Uncertain significance (2). Last evaluated 2024-09-05.

Conditions:
Hypertrophic cardiomyopathy. Also called: HYPERTROPHIC MYOCARDIOPATHY. Identifiers: Orphanet 217569, MedGen C0007194, MeSH D002312, MONDO:0005045, HP:0001639.
Cardiovascular phenotype. Identifiers: MedGen CN230736.

Allele frequency attached by ClinVar (database versions not stated): TOPMed below 0.00001; gnomAD 0.00001.

Submissions (2):

Ambry Genetics
Classification: Uncertain significance for Cardiovascular phenotype. Last evaluated: 2024-09-05. Review status: criteria provided, single submitter. Criteria: Ambry Variant Classification Scheme 2023. Collection method: clinical testing. Allele origin: germline.
Comment: The p.M435I variant (also known as c.1305G>A), located in coding exon 12 of the MYH7 gene, results from a G to A substitution at nucleotide position 1305. The methionine at codon 435 is replaced by isoleucine, an amino acid with highly similar properties. This alteration is located in the myosin head domain, which contains a statistically significant clustering of pathogenic missense variants (Homburger JR et al. Proc Natl Acad Sci U S A, 2016 06;113:6701-6; Walsh R et al. Genet Med, 2017 02;19:192-203; Ambry internal data). This amino acid position is highly conserved in available vertebrate species. In addition, this alteration is predicted to be deleterious by in silico analysis. Since supporting evidence is limited at this time, the clinical significance of this alteration remains unclear.

Labcorp Genetics (formerly Invitae), Labcorp
Classification: Uncertain significance for Hypertrophic cardiomyopathy. Last evaluated: 2024-08-01. Review status: criteria provided, single submitter. Criteria: Invitae Variant Classification Sherloc (09022015). Collection method: clinical testing. Allele origin: germline.
Comment: This sequence change replaces methionine, which is neutral and non-polar, with isoleucine, which is neutral and non-polar, at codon 435 of the MYH7 protein (p.Met435Ile). This variant is not present in population databases (gnomAD no frequency). This variant has not been reported in the literature in individuals affected with MYH7-related conditions. ClinVar contains an entry for this variant (Variation ID: 216362). Advanced modeling of protein sequence and biophysical properties (such as structural, functional, and spatial information, amino acid conservation, physicochemical variation, residue mobility, and thermodynamic stability) performed at Invitae indicates that this missense variant is expected to disrupt MYH7 protein function with a positive predictive value of 95%. In summary, the available evidence is currently insufficient to determine the role of this variant in disease. Therefore, it has been classified as a Variant of Uncertain Significance.